The following is an entry in ClinVar:

ClinVar aggregate classification (germline): Likely benign (1 of 4 stars; one submission).

Allele frequency attached by ClinVar (database versions not stated): gnomAD 0.02428; TOPMed 0.02550; 1000 Genomes Project 0.02716; 1000 Genomes Project 30x 0.03061.
gnomAD v4.1: 3,592 of 151,668 alleles (2.4%); highest among the groups gnomAD compares: Middle Eastern, 8.5%; 74 homozygotes.

Submission:

GeneDx
Classification: Likely benign. Last evaluated: 2018-06-16. Review status: criteria provided, single submitter. Criteria: GeneDx Variant Classification (06012015). Collection method: clinical testing. Allele origin: germline. Affected: yes.
Comment: This variant is considered likely benign or benign based on one or more of the following criteria: it is a conservative change, it occurs at a poorly conserved position in the protein, it is predicted to be benign by multiple in silico algorithms, and/or has population frequency not consistent with disease.

NM_018112.3(TMEM38B):c.112+302G>A

Gene: TMEM38B (transmembrane protein 38B; plus strand). Cytogenetic location: 9q31.2.
Variant type: single nucleotide variant.
Coding change: c.112+302G>A on transcript NM_018112.3 (MANE Select); 302 bases into the intron after coding-DNA position 112, G replaced by A.
Molecular consequence: intron variant.
Genome position (GRCh38, 1-based): chr9:105,695,074, G>A. VCF-style: chr9-105695074-G-A. GRCh37 (hg19) VCF-style: chr9-108457355-G-A.
Identifiers: ClinVar variation 669656 (VCV000669656.1), dbSNP rs73668919, ClinGen allele CA13100206.